The following is an entry in ClinVar:

NM_001621.5(AHR):c.2018A>G (p.Asn673Ser)

Gene: AHR (aryl hydrocarbon receptor; plus strand). Cytogenetic location: 7p21.1.
Variant type: single nucleotide variant.
Coding change: c.2018A>G on transcript NM_001621.5 (MANE Select); coding-DNA position 2018, A replaced by G.
Protein change: p.Asn673Ser; replaces asparagine 673 with serine.
Molecular consequence: missense variant.
Genome position (GRCh38, 1-based): chr7:17,339,843, A>G. VCF-style: chr7-17339843-A-G. GRCh37 (hg19) VCF-style: chr7-17379467-A-G.
Other names: short protein forms N673S.
Identifiers: ClinVar variation 1470663 (VCV001470663.6), dbSNP rs765874987, ClinGen allele CA4172220.

ClinVar aggregate classification (germline): Uncertain significance (1 of 4 stars; one submission).

Allele frequency attached by ClinVar (database versions not stated): ExAC 0.00002; gnomAD exomes 0.00001 and 0.00002.
gnomAD v4.1: 4 of 1,614,218 alleles (0.00025%); highest among the groups gnomAD compares: Admixed American, 0.0067%; no homozygotes.

Submission:

Labcorp Genetics (formerly Invitae), Labcorp
Classification: Uncertain significance. Last evaluated: 2025-09-08. Review status: criteria provided, single submitter. Criteria: Invitae Variant Classification Sherloc (09022015). Collection method: clinical testing. Allele origin: germline.
Comment: This sequence change replaces asparagine, which is neutral and polar, with serine, which is neutral and polar, at codon 673 of the AHR protein (p.Asn673Ser). This variant is present in population databases (rs765874987, gnomAD 0.01%). This variant has not been reported in the literature in individuals affected with AHR-related conditions. ClinVar contains an entry for this variant (Variation ID: 1470663). An algorithm developed to predict the effect of missense changes on protein structure and function outputs the following: PolyPhen-2: "Benign". The serine amino acid residue is found in multiple mammalian species, which suggests that this missense change does not adversely affect protein function. In summary, the available evidence is currently insufficient to determine the role of this variant in disease. Therefore, it has been classified as a Variant of Uncertain Significance.